The following is an entry in ClinVar:

NM_000179.3(MSH6):c.2840A>C (p.Asn947Thr)

Gene: MSH6 (mutS homolog 6; plus strand). Cytogenetic location: 2p16.3.
Variant type: single nucleotide variant.
Coding change: c.2840A>C on transcript NM_000179.3 (MANE Select); coding-DNA position 2840, A replaced by C.
Protein change: p.Asn947Thr; replaces asparagine 947 with threonine.
Molecular consequence: missense variant. On other transcripts: non-coding transcript variant (5), intron variant (2).
Genome position (GRCh38, 1-based): chr2:47,800,823, A>C. VCF-style: chr2-47800823-A-C. GRCh37 (hg19) VCF-style: chr2-48027962-A-C.
Other names: c.785A>C, p.Asn262Thr (NM_001407362.1); c.2308+532A>C (NM_001406803.1); c.1606+1234A>C (NM_001406817.1); c.2450A>C, p.Asn817Thr (NM_001281492.2); c.1934A>C, p.Asn645Thr (NM_001281493.2, NM_001281494.2, NM_001406811.1 and 6 more transcripts); c.2936A>C, p.Asn979Thr (NM_001406795.1, NM_001406802.1); c.2840A>C, p.Asn947Thr (NM_001406796.1, NM_001406798.1, NM_001406800.1 and 2 more transcripts); c.2543A>C, p.Asn848Thr (NM_001406797.1, NM_001406801.1, NM_001406805.1 and 10 more transcripts); and 4 more; short protein forms N262T, N817T, N891T, N947T, N772T, N979T, N645T, N949T.
Identifiers: ClinVar variation 3398893 (VCV003398893.1).

ClinVar aggregate classification (germline): Uncertain significance (1 of 4 stars; one submission).

Conditions:
Hereditary cancer-predisposing syndrome. Also called: Hereditary Cancer Syndrome; Tumor predisposition; Hereditary neoplastic syndrome; Neoplastic Syndromes, Hereditary. Identifiers: Orphanet 140162, MedGen C0027672, MeSH D009386, MONDO:0015356.

Submission:

Ambry Genetics
Classification: Uncertain significance for Hereditary cancer-predisposing syndrome. Last evaluated: 2024-08-13. Review status: criteria provided, single submitter. Criteria: Ambry Variant Classification Scheme 2023. Collection method: clinical testing. Allele origin: germline.
Comment: The p.N947T variant (also known as c.2840A>C), located in coding exon 4 of the MSH6 gene, results from an A to C substitution at nucleotide position 2840. The asparagine at codon 947 is replaced by threonine, an amino acid with similar properties. This amino acid position is conserved. In addition, this alteration is predicted to be tolerated by in silico analysis. Based on the available evidence, the clinical significance of this variant remains unclear.